The following is an entry in ClinVar:

NM_000553.6(WRN):c.1899-3C>T

Gene: WRN (WRN RecQ like helicase; plus strand). Cytogenetic location: 8p12.
Variant type: single nucleotide variant.
Coding change: c.1899-3C>T on transcript NM_000553.6 (MANE Select); 3 bases into the intron before coding-DNA position 1899, C replaced by T.
Molecular consequence: intron variant.
Genome position (GRCh38, 1-based): chr8:31,096,765, C>T. VCF-style: chr8-31096765-C-T. GRCh37 (hg19) VCF-style: chr8-30954281-C-T.
Identifiers: ClinVar variation 2038366 (VCV002038366.4), dbSNP rs555740117, ClinGen allele CA4704560.

ClinVar aggregate classification (germline): Uncertain significance (1 of 4 stars; one submission).

Conditions:
Werner syndrome (WRN). Identifiers: Orphanet 902, MedGen C0043119, MONDO:0010196, OMIM 277700.

Allele frequency attached by ClinVar (database versions not stated): ExAC 0.00003; 1000 Genomes Project 30x 0.00016; 1000 Genomes Project 0.00020.

Submission:

Labcorp Genetics (formerly Invitae), Labcorp
Classification: Uncertain significance for Werner syndrome. Last evaluated: 2022-03-10. Review status: criteria provided, single submitter. Criteria: Invitae Variant Classification Sherloc (09022015). Collection method: clinical testing. Allele origin: germline.
Comment: In summary, the available evidence is currently insufficient to determine the role of this variant in disease. Therefore, it has been classified as a Variant of Uncertain Significance. Variants that disrupt the consensus splice site are a relatively common cause of aberrant splicing (PMID: 17576681, 9536098). Algorithms developed to predict the effect of sequence changes on RNA splicing suggest that this variant is not likely to affect RNA splicing. This variant has not been reported in the literature in individuals affected with WRN-related conditions. The frequency data for this variant in the population databases is considered unreliable, as metrics indicate poor data quality at this position in the gnomAD database. This sequence change falls in intron 16 of the WRN gene. It does not directly change the encoded amino acid sequence of the WRN protein. It affects a nucleotide within the consensus splice site.

Literature cited by the submitters: PubMed 17576681; PubMed 9536098.